The following is an entry in ClinVar:

ClinVar aggregate classification (germline): Uncertain significance (0 of 4 stars; one submission).

Conditions:
SEMA3G-related disorder. Also called: SEMA3G-related condition.

Submission:

PreventionGenetics, part of Exact Sciences
Classification: Uncertain significance for SEMA3G-related condition. Last evaluated: 2024-03-22. Review status: no assertion criteria provided. Collection method: clinical testing. Allele origin: germline.
Comment: The SEMA3G c.1486G>A variant is predicted to result in the amino acid substitution p.Glu496Lys. To our knowledge, this variant has not been reported in the literature. This variant is reported in 0.0055% of alleles in individuals of East Asian descent in gnomAD. At this time, the clinical significance of this variant is uncertain due to the absence of conclusive functional and genetic evidence.

NM_020163.3(SEMA3G):c.1486G>A (p.Glu496Lys)

Gene: SEMA3G (semaphorin 3G; minus strand). Cytogenetic location: 3p21.1.
Variant type: single nucleotide variant.
Coding change: c.1486G>A on transcript NM_020163.3 (MANE Select); coding-DNA position 1486, G replaced by A.
Protein change: p.Glu496Lys; replaces glutamic acid 496 with lysine.
Molecular consequence: missense variant.
Genome position (GRCh38, 1-based): chr3:52,438,943, C>T on the plus strand (G>A on the coding strand, the complement: SEMA3G is on the minus strand). VCF-style: chr3-52438943-C-T. GRCh37 (hg19) VCF-style: chr3-52472959-C-T.
Other names: short protein forms E496K.
Identifiers: ClinVar variation 3357373 (VCV003357373.1).
Genomic context (GRCh38, chr3:52,438,943, plus strand): 5'-AAGGGGGGTCCAAGAGGAGGGTGGCAGCTGTTCTTACCCTTTTGACAGAGATCTCCATTT[C>T]GGTGATAGGTGTTGGCACCTGGGGAAGGAGAAGGGTCTCAGTGTGGGTCGGGTGGACCAA-3'
Protein context (NP_064548.1, residues 486-506): QVFKVPTPIT[Glu496Lys]MEISVKRQML